The following is an entry in ClinVar:

ClinVar aggregate classification (germline): Likely pathogenic (1 of 4 stars; one submission).

Submission:

Labcorp Genetics (formerly Invitae), Labcorp
Classification: Likely pathogenic. Last evaluated: 2022-05-11. Review status: criteria provided, single submitter. Criteria: Invitae Variant Classification Sherloc (09022015). Collection method: clinical testing. Allele origin: germline.
Comment: In summary, the currently available evidence indicates that the variant is pathogenic, but additional data are needed to prove that conclusively. Therefore, this variant has been classified as Likely Pathogenic. Algorithms developed to predict the effect of sequence changes on RNA splicing suggest that this variant may disrupt the consensus splice site. ClinVar contains an entry for this variant (Variation ID: 575797). This variant has not been reported in the literature in individuals affected with POLE-related conditions. This variant is not present in population databases (gnomAD no frequency). This sequence change affects a donor splice site in intron 22 of the POLE gene. It is expected to disrupt RNA splicing. Variants that disrupt the donor or acceptor splice site typically lead to a loss of protein function (PMID: 16199547), and loss-of-function variants in POLE are known to be pathogenic (PMID: 23230001, 25948378, 30503519).

Literature cited by the submitters: PubMed 16199547; PubMed 23230001; PubMed 25948378; PubMed 30503519.

NM_006231.4(POLE):c.2561+1G>A

Gene: POLE (DNA polymerase epsilon, catalytic subunit; minus strand). Cytogenetic location: 12q24.33.
Variant type: single nucleotide variant.
Coding change: c.2561+1G>A on transcript NM_006231.4 (MANE Select); the canonical splice donor site of the intron after coding-DNA position 2561, G replaced by A.
Molecular consequence: splice donor variant.
Genome position (GRCh38, 1-based): chr12:132,664,369, C>T on the plus strand (G>A on the coding strand, the complement: POLE is on the minus strand). VCF-style: chr12-132664369-C-T. GRCh37 (hg19) VCF-style: chr12-133240955-C-T.
Identifiers: ClinVar variation 575797 (VCV000575797.11), dbSNP rs1565961210, ClinGen allele CA387396095.